The following is an entry in ClinVar:

ClinVar aggregate classification (germline): Uncertain significance. Review status: criteria provided, multiple submitters, no conflicts (2 of 4 stars). 2 submissions from 2 submitters: Uncertain significance (2). Last evaluated 2025-03-01.

Conditions:
Progressive myoclonic epilepsy type 3. Also called: EPILEPSY, PROGRESSIVE MYOCLONIC, 3, WITHOUT INTRACELLULAR INCLUSIONS; EPILEPSY, PROGRESSIVE MYOCLONIC, 3, WITH OR WITHOUT INTRACELLULAR INCLUSIONS; CEROID LIPOFUSCINOSIS, NEURONAL, 14; KCTD7-Related Progressive Myoclonic Epilepsy. Identifiers: Orphanet 263516, MedGen C2673257, MONDO:0012721, OMIM 611726.

Allele frequency attached by ClinVar (database versions not stated): ExAC 0.00001; gnomAD exomes 0.00001 and 0.00002.

Submissions (2):

GeneDx
Classification: Uncertain significance. Last evaluated: 2025-03-01. Review status: criteria provided, single submitter. Criteria: GeneDx Variant Classification Process June 2021. Collection method: clinical testing. Allele origin: germline.
Comment: Not observed at significant frequency in large population cohorts (gnomAD); In-frame duplication of 1 amino acid in a non-repeat region; Has not been previously published as pathogenic or benign to our knowledge

Labcorp Genetics (formerly Invitae), Labcorp
Classification: Uncertain significance for Progressive myoclonic epilepsy type 3. Last evaluated: 2022-07-29. Review status: criteria provided, single submitter. Criteria: Invitae Variant Classification Sherloc (09022015). Collection method: clinical testing. Allele origin: germline.
Comment: This variant, c.422_424dup, results in the insertion of 1 amino acid(s) of the KCTD7 protein (p.Leu141_Glu142insVal), but otherwise preserves the integrity of the reading frame. This variant is present in population databases (rs747385800, gnomAD 0.002%). This variant has not been reported in the literature in individuals affected with KCTD7-related conditions. ClinVar contains an entry for this variant (Variation ID: 569269). Experimental studies and prediction algorithms are not available or were not evaluated, and the functional significance of this variant is currently unknown. In summary, the available evidence is currently insufficient to determine the role of this variant in disease. Therefore, it has been classified as a Variant of Uncertain Significance.

NM_153033.5(KCTD7):c.422_424dup (p.Leu141_Glu142insVal)

Gene: KCTD7 (potassium channel tetramerization domain containing 7; plus strand). Cytogenetic location: 7q11.21.
Variant type: Duplication.
Coding change: c.422_424dup on transcript NM_153033.5 (MANE Select); coding-DNA positions 422 to 424, 3 bases duplicated (TGG; older notation c.422_424dupTGG).
Protein change: p.Leu141_Glu142insVal.
Molecular consequence: inframe insertion.
Genome position (GRCh38, 1-based): chr7:66,638,360-66,638,362, TGG duplicated. VCF-style (leftmost placement, unchanged base first): chr7-66638359-C-CTGG. GRCh37 (hg19) VCF-style: chr7-66103346-C-CTGG.
Other names: c.422_424dup (NM_153033.4); c.422_424dupTGG (NM_153033.4); c.422_424dup, p.Leu141_Glu142insVal (NM_001167961.2).
Identifiers: ClinVar variation 569269 (VCV000569269.9), dbSNP rs747385800, ClinGen allele CA4278255.
Genomic context (GRCh38, chr7:66,638,359, plus strand): 5'-CGTGTTCGAGCTGTGTACAAAGAGGCCCAGTACTATGCCATCGGGCCCCTCCTGGAGCAG[C>CTGG]TGGAGAACATGCAGCCACTGAAGGGCGAGAAGGTGCGCCAAGCGTTTCTGGGACTCATGC-3'